The following is an entry in ClinVar:

ClinVar aggregate classification (germline): Benign. Review status: criteria provided, multiple submitters, no conflicts (2 of 4 stars). 5 submissions from 4 submitters: Benign (5). Last evaluated 2026-02-01.

Conditions:
Hypophosphatemic rickets, autosomal recessive, 2 (ARHR2). Identifiers: Orphanet 289176, MedGen C2750078, MONDO:0013219, OMIM 613312.
Arterial calcification, generalized, of infancy, 1 (GACI1). Also called: Idiopathic Infantile Arterial Calcification. Identifiers: Orphanet 51608, MedGen C4551985, MONDO:0008817, OMIM 208000.

Allele frequency attached by ClinVar (database versions not stated): gnomAD exomes 0.00153 and 0.00402; ExAC 0.00488; gnomAD 0.01493 and 0.01601; TOPMed 0.01668; 1000 Genomes Project 0.01797; ESP Exome Variant Server 0.01823; 1000 Genomes Project 30x 0.01889.
gnomAD v4.1: 4,606 of 1,612,734 alleles (0.29%); highest among the groups gnomAD compares: African/African-American, 5.1%; 107 homozygotes.

Submissions (5):

Labcorp Genetics (formerly Invitae), Labcorp
Classification: Benign. Last evaluated: 2026-02-01. Review status: criteria provided, single submitter. Criteria: Invitae Variant Classification Sherloc (09022015). Collection method: clinical testing. Allele origin: germline.

Mayo Clinic Laboratories, Mayo Clinic
Classification: Benign. Last evaluated: 2023-04-03. Review status: criteria provided, single submitter. Criteria: ACMG Guidelines, 2015. Collection method: clinical testing. Allele origin: germline. Observed: 1 variant allele.

GeneDx
Classification: Benign. Last evaluated: 2019-04-16. Review status: criteria provided, single submitter. Criteria: GeneDx Variant Classification Process June 2021. Collection method: clinical testing. Allele origin: germline. Affected: yes.

Illumina Laboratory Services, Illumina
Classification: Benign for Arterial calcification, generalized, of infancy, 1. Last evaluated: 2018-01-12. Review status: criteria provided, single submitter. Criteria: ICSL Variant Classification Criteria 13 December 2019. Collection method: clinical testing. Allele origin: germline.
Comment: This variant was observed in the ICSL laboratory as part of a predisposition screen in an ostensibly healthy population. It had not been previously curated by ICSL or reported in the Human Gene Mutation Database (HGMD: prior to June 1st, 2018), and was therefore a candidate for classification through an automated scoring system. Utilizing variant allele frequency, disease prevalence and penetrance estimates, and inheritance mode, an automated score was calculated to assess if this variant is too frequent to cause the disease. Based on the score and internal cut-off values, a variant classified as benign is not then subjected to further curation. The score for this variant resulted in a classification of benign for this disease.

Illumina Laboratory Services, Illumina
Classification: Benign for Hypophosphatemic rickets, autosomal recessive, 2. Last evaluated: 2018-01-12. Review status: criteria provided, single submitter. Criteria: ICSL Variant Classification Criteria 13 December 2019. Collection method: clinical testing. Allele origin: germline.
Comment: the same text as in the submission from Illumina Laboratory Services, Illumina above.

NM_006208.3(ENPP1):c.1329T>C (p.Asp443=)

Gene: ENPP1 (ectonucleotide pyrophosphatase/phosphodiesterase 1; plus strand). Cytogenetic location: 6q23.2.
Variant type: single nucleotide variant.
Coding change: c.1329T>C on transcript NM_006208.3 (MANE Select); coding-DNA position 1329, T replaced by C.
Protein change: p.Asp443=; no amino-acid change (aspartic acid 443 retained).
Molecular consequence: synonymous variant.
Genome position (GRCh38, 1-based): chr6:131,869,413, T>C. VCF-style: chr6-131869413-T-C. GRCh37 (hg19) VCF-style: chr6-132190553-T-C.
Other names: p.Asp443=.
Identifiers: ClinVar variation 355341 (VCV000355341.18), dbSNP rs113723070, ClinGen allele CA4002169.